The following is an entry in ClinVar:

NM_001348323.3(TRIP12):c.1138C>T (p.Arg380Ter)

Gene: TRIP12 (thyroid hormone receptor interactor 12; minus strand). Cytogenetic location: 2q36.3.
Variant type: single nucleotide variant.
Coding change: c.1138C>T on transcript NM_001348323.3 (MANE Select); coding-DNA position 1138, C replaced by T.
Protein change: p.Arg380Ter; replaces arginine 380 with a stop codon.
Molecular consequence: nonsense.
Genome position (GRCh38, 1-based): chr2:229,836,980, G>A on the plus strand (C>T on the coding strand, the complement: TRIP12 is on the minus strand). VCF-style: chr2-229836980-G-A. GRCh37 (hg19) VCF-style: chr2-230701696-G-A.
Other names: c.1138C>T, p.Arg380Ter (NM_001284214.2, NM_001348315.2, NM_001348319.1 and 13 more transcripts); c.1012C>T, p.Arg338Ter (NM_001284215.2, NM_001348316.2, NM_001348317.1 and 3 more transcripts); c.103C>T, p.Arg35Ter (NM_001284216.2); c.1051C>T, p.Arg351Ter (NM_001348332.1, NM_001348334.1); short protein forms R338*, R35*, R351*, R380*.
Identifiers: ClinVar variation 5019165 (VCV005019165.1).

ClinVar aggregate classification (germline): Pathogenic (1 of 4 stars; one submission).

Conditions:
Clark-Baraitser syndrome. Also called: MENTAL RETARDATION, AUTOSOMAL DOMINANT 49; BARAITSER SYNDROME; Mental retardation, tall stature, obesity, macrocephaly and typical facial features; Intellectual disability, autosomal dominant 49. Identifiers: Orphanet 600731, MedGen C2931130, MONDO:0030914, OMIM 617752.

gnomAD v4.1: 2 of 1,549,182 alleles (0.00013%); highest among the groups gnomAD compares: South Asian, 0.0012%; no homozygotes.

Submission:

Juno Genomics, Hangzhou Juno Genomics, Inc
Classification: Pathogenic for Clark-Baraitser syndrome. Review status: criteria provided, single submitter. Criteria: ACMG Guidelines, 2015. Collection method: clinical testing. Allele origin: germline. Affected: yes.
Comment: Absent from controls (or at extremely low frequency if recessive) in Genome Aggregation Database.;Null variant in a gene where loss of function (LOF) is a known mechanism of disease.;The prevalence of the variant in affected individuals is significantly increased compared to the prevalence in controls.